The following is an entry in ClinVar:

ClinVar aggregate classification (germline): Conflicting classifications of pathogenicity. Review status: criteria provided, conflicting classifications (1 of 4 stars). 9 submissions from 9 submitters: Likely pathogenic (1); Uncertain significance (6). 2 of the submissions do not count toward it. Last evaluated 2026-10-01.

Conditions:
Noonan syndrome 1 (NS1). Also called: TURNER PHENOTYPE WITH NORMAL KARYOTYPE; FEMALE PSEUDO-TURNER SYNDROME; PTPN11-Related Noonan Syndrome. Identifiers: Orphanet 648, MedGen C4551602, MONDO:0008104, OMIM 163950. Disease mechanism: gain of function.
Noonan syndrome 2 (NS2). Identifiers: Orphanet 648, MedGen C1854469, MONDO:0011531, OMIM 605275.
LZTR1-related schwannomatosis. Also called: Schwannomatosis-2, susceptibility to; Schwannomatosis 2. Identifiers: Orphanet 93921, MedGen C3810283, MONDO:0014299, OMIM 615670.
Hereditary cancer-predisposing syndrome. Also called: Hereditary Cancer Syndrome; Neoplastic Syndromes, Hereditary; Tumor predisposition; Hereditary neoplastic syndrome. Identifiers: Orphanet 140162, MedGen C0027672, MeSH D009386, MONDO:0015356.
Cardiovascular phenotype. Identifiers: MedGen CN230736.
LZTR1-related disorder. Also called: LZTR1-related disorders; LZTR1-related condition.
Noonan syndrome 10 (NS10). Identifiers: Orphanet 648, MedGen C4225280, MONDO:0014693, OMIM 616564.

Allele frequency attached by ClinVar (database versions not stated): gnomAD 0.00001; TOPMed 0.00001.

Submissions (9):

St. Jude Molecular Pathology, St. Jude Children's Research Hospital
Classification: Uncertain significance for Noonan syndrome 10. Last evaluated: 2026-10-01. Review status: criteria provided, single submitter. Criteria: St. Jude Assertion Criteria 2020. Collection method: clinical testing. Allele origin: germline.
Comment: The LZTR1 c.2462T>C p.(Ile821Thr) missense change has a maximum subpopulation frequency of 0.01% in gnomAD v2.1.1. The in silico tool REVEL is inconclusive about a pathogenic or benign effect of this variant on protein function. In a functional study this var iant demonstrated aberrant subcellular localization (PMID: 30481304). This variant has been reported in the homozygous status in siblings with clinical features associated with Noonan syndrome (PMID: 29469822). In summary, the evidence currently available is insufficient to determine the clinical significance of this variant. It has therefore been classified as of uncertain significance.

Labcorp Genetics (formerly Invitae), Labcorp
Classification: Uncertain significance. Last evaluated: 2025-09-19. Review status: criteria provided, single submitter. Criteria: Invitae Variant Classification Sherloc (09022015). Collection method: clinical testing. Allele origin: germline.
Comment: This sequence change replaces isoleucine, which is neutral and non-polar, with threonine, which is neutral and polar, at codon 821 of the LZTR1 protein (p.Ile821Thr). This variant is present in population databases (no rsID available, gnomAD 0.01%). This missense change has been observed in individual(s) with Noonan syndrome (PMID: 29469822). It has also been observed to segregate with disease in related individuals. ClinVar contains an entry for this variant (Variation ID: 635756). Invitae Evidence Modeling of protein sequence and biophysical properties (such as structural, functional, and spatial information, amino acid conservation, physicochemical variation, residue mobility, and thermodynamic stability) indicates that this missense variant is not expected to disrupt LZTR1 protein function with a negative predictive value of 80%. Experimental studies have shown that this missense change affects LZTR1 function (PMID: 30481304). In summary, the available evidence is currently insufficient to determine the role of this variant in disease. Therefore, it has been classified as a Variant of Uncertain Significance.

Ambry Genetics
Classification: Uncertain significance for Cardiovascular phenotype; Hereditary cancer-predisposing syndrome. Last evaluated: 2025-05-05. Review status: criteria provided, single submitter. Criteria: Ambry Variant Classification Scheme 2023. Collection method: clinical testing. Allele origin: germline.
Comment: The p.I821T variant (also known as c.2462T>C), located in coding exon 21 of the LZTR1 gene, results from a T to C substitution at nucleotide position 2462. The isoleucine at codon 821 is replaced by threonine, an amino acid with similar properties. This alteration was identified in the homozygous state in two siblings diagnosed with Noonan syndrome (Johnston JJ et al. Genet Med, 2018 Oct;20:1175-1185). Functional studies indicate that this alteration had more diffuse subcellular localization compared to wild-type (Motta M et al. Hum. Mol. Genet., 2019 03;28:1007-1022). This amino acid position is highly conserved in available vertebrate species. In addition, the in silico prediction for this alteration is inconclusive. Based on the available evidence, the clinical significance of this variant remains unclear.

GeneDx
Classification: Likely pathogenic. Last evaluated: 2024-05-17. Review status: criteria provided, single submitter. Criteria: GeneDx Variant Classification Process June 2021. Collection method: clinical testing. Allele origin: germline. Affected: yes.
Comment: Published functional studies suggest a damaging effect of aberrant subcellular localization (PMID: 30481304); In silico analysis supports that this missense variant has a deleterious effect on protein structure/function; Not observed at significant frequency in large population cohorts (gnomAD); This variant is associated with the following publications: (PMID: 29469822, 30481304)

Genomic Medicine Center of Excellence, King Faisal Specialist Hospital and Research Centre
Classification: Uncertain significance for LZTR1-related schwannomatosis. Last evaluated: 2024-03-26. Review status: criteria provided, single submitter. Criteria: ACMG Guidelines, 2015. Collection method: clinical testing. Allele origin: germline.

Revvity Omics, Revvity
Classification: Uncertain significance. Last evaluated: 2021-03-30. Review status: criteria provided, single submitter. Criteria: ACMG Guidelines, 2015. Collection method: clinical testing. Allele origin: germline.

Centre for Human Genetics
Classification: Uncertain significance for Noonan syndrome 1. Review status: criteria provided, single submitter. Criteria: ACMG Guidelines, 2015. Collection method: clinical testing. Allele origin: de novo. Inheritance: Autosomal dominant inheritance. Affected: yes. Observed: 1 variant allele.
Comment: This variant is predicted to be deleterious by in silico analysis. However, due to lack of experimental evidence demonstrating its impact on protein function, the clinical significance of this variant is currently uncertain.

PreventionGenetics, part of Exact Sciences
Classification: Uncertain significance for LZTR1-related condition. Last evaluated: 2024-02-14. Review status: no assertion criteria provided. Collection method: clinical testing. Allele origin: germline. Not counted in ClinVar's aggregate classification.
Comment: The LZTR1 c.2462T>C variant is predicted to result in the amino acid substitution p.Ile821Thr. This variant was reported in the homozygous state in two siblings with Noonan syndrome, while both heterozygous carrier parents were reported unaffected (Family 12, Johnston et al. 2018. PubMed ID: 29469822). Functional studies showed that this variant altered subcellular localization (Motta et al. 2019. PubMed ID: 30481304). This variant is reported in 0.011% of alleles in individuals of African descent in gnomAD and is interpreted as uncertain significance in ClinVar. At this time, the clinical significance of this variant is uncertain due to the absence of conclusive functional and genetic evidence.

Oxford Medical Genetics Laboratories, Oxford University Hospitals NHS Foundation Trust
Classification: Uncertain significance for Noonan syndrome 2. Last evaluated: 2019-05-03. Review status: no assertion criteria provided. Collection method: clinical testing. Allele origin: inherited. Affected: yes. Not counted in ClinVar's aggregate classification.

Literature cited by the submitters: PubMed 29469822 (cited by Labcorp Genetics (formerly Invitae), Labcorp and Ambry Genetics); PubMed 30481304 (cited by Labcorp Genetics (formerly Invitae), Labcorp and Ambry Genetics).

NM_006767.4(LZTR1):c.2462T>C (p.Ile821Thr)

Gene: LZTR1 (leucine zipper like post translational regulator 1; plus strand). Cytogenetic location: 22q11.21.
Variant type: single nucleotide variant.
Coding change: c.2462T>C on transcript NM_006767.4 (MANE Select); coding-DNA position 2462, T replaced by C.
Protein change: p.Ile821Thr; replaces isoleucine 821 with threonine.
Molecular consequence: missense variant.
Genome position (GRCh38, 1-based): chr22:20,997,287, T>C. VCF-style: chr22-20997287-T-C. GRCh37 (hg19) VCF-style: chr22-21351576-T-C.
Other names: short protein forms I821T.
Identifiers: ClinVar variation 635756 (VCV000635756.14), dbSNP rs1275511136, ClinGen allele CA410781711.